The following is an entry in ClinVar:

NM_000282.4(PCCA):c.1138dup (p.Tyr380fs)

Gene: PCCA (propionyl-CoA carboxylase subunit alpha; plus strand). Cytogenetic location: 13q32.3.
Variant type: Duplication.
Coding change: c.1138dup on transcript NM_000282.4 (MANE Select); coding-DNA position 1138, one base duplicated (T; older notation c.1138dupT).
Protein change: p.Tyr380fs; shifts the reading frame from tyrosine 380.
Molecular consequence: frameshift variant. On other transcripts: non-coding transcript variant (5), intron variant (3).
Genome position (GRCh38, 1-based): chr13:100,301,532, T duplicated. VCF-style (leftmost placement, unchanged base first): chr13-100301531-C-CT. GRCh37 (hg19) VCF-style: chr13-100953785-C-CT.
Other names: c.1060dup, p.Tyr354fs (NM_001127692.3, NM_001352607.2); c.1138dup, p.Tyr380fs (NM_001178004.2, NM_001352605.2, NM_001352609.2); c.193dup, p.Tyr65fs (NM_001352610.2, NM_001352611.2); c.1066-1392dup (NM_001352606.2); c.121-1392dup (NM_001352612.2); c.988-1392dup (NM_001352608.2); short protein forms Y354fs, Y65fs, Y380fs.
Identifiers: ClinVar variation 2985693 (VCV002985693.3), dbSNP rs2548113423, ClinGen allele CA2623558886.

ClinVar aggregate classification (germline): Pathogenic (1 of 4 stars; one submission).

Conditions:
Propionic acidemia (PROP). Also called: GLYCINEMIA, KETOTIC; HYPERGLYCINEMIA WITH KETOACIDOSIS AND LEUKOPENIA; KETOTIC HYPERGLYCINEMIA. Identifiers: Orphanet 35, MedGen C0268579, MONDO:0011628, OMIM 606054, HP:0003571.

Allele frequency attached by ClinVar (database versions not stated): gnomAD exomes below 0.00001.

Submission:

Labcorp Genetics (formerly Invitae), Labcorp
Classification: Pathogenic for Propionic acidemia. Last evaluated: 2023-11-08. Review status: criteria provided, single submitter. Criteria: Invitae Variant Classification Sherloc (09022015). Collection method: clinical testing. Allele origin: germline.
Comment: This sequence change creates a premature translational stop signal (p.Tyr380Leufs*9) in the PCCA gene. It is expected to result in an absent or disrupted protein product. Loss-of-function variants in PCCA are known to be pathogenic (PMID: 15464417). This variant is not present in population databases (gnomAD no frequency). This variant has not been reported in the literature in individuals affected with PCCA-related conditions. Algorithms developed to predict the effect of sequence changes on RNA splicing suggest that this variant may disrupt the consensus splice site. For these reasons, this variant has been classified as Pathogenic.

Literature cited by the submitters: PubMed 15464417.